The following is an entry in ClinVar:

ClinVar aggregate classification (germline): Benign. Review status: criteria provided, multiple submitters, no conflicts (2 of 4 stars). 9 submissions from 9 submitters: Benign (6). 3 of the submissions do not count toward it. Last evaluated 2026-02-02.

Conditions:
Ventricular septal defect 1 (VSD1). Identifiers: MedGen C3280777, MONDO:0013746, OMIM 614429.

Allele frequency attached by ClinVar (database versions not stated): ESP Exome Variant Server 0.01217; TOPMed 0.01500; gnomAD exomes 0.02105 and 0.02358; 1000 Genomes Project 30x 0.02826; 1000 Genomes Project 0.02975; ExAC 0.03786.

Submissions (9):

Labcorp Genetics (formerly Invitae), Labcorp
Classification: Benign. Last evaluated: 2026-02-02. Review status: criteria provided, single submitter. Criteria: Invitae Variant Classification Sherloc (09022015). Collection method: clinical testing. Allele origin: germline.

Blueprint Genetics
Classification: Benign. Last evaluated: 2024-11-28. Review status: criteria provided, single submitter. Criteria: ACMG Guidelines, 2015. Collection method: clinical testing. Allele origin: germline.

GeneDx
Classification: Benign. Last evaluated: 2018-11-10. Review status: criteria provided, single submitter. Criteria: GeneDx Variant Classification Process June 2021. Collection method: clinical testing. Allele origin: germline. Affected: yes.
Comment: This variant is associated with the following publications: (PMID: 14691541, 23506588)

Eurofins Ntd Llc (ga)
Classification: Benign. Last evaluated: 2014-10-08. Review status: criteria provided, single submitter. Criteria: EGL Classification Definitions 2015. Collection method: clinical testing. Allele origin: germline. Observed: 1 variant allele, 1 heterozygote.

Breakthrough Genomics
Classification: Benign. Review status: criteria provided, single submitter. Criteria: ACMG Guidelines, 2015. Collection method: not provided. Allele origin: germline. Inheritance: Autosomal recessive inheritance. Affected: yes.

PreventionGenetics, part of Exact Sciences
Classification: Benign. Review status: criteria provided, single submitter. Criteria: ACMG Guidelines, 2015. Collection method: clinical testing. Allele origin: germline.

Cytogenetics- Mohapatra Lab, Banaras Hindu University
Classification: Benign for Ventricular septal defect 1. Review status: no assertion criteria provided. Collection method: case-control. Allele origin: de novo. Affected: yes. Not counted in ClinVar's aggregate classification.

Genome Diagnostics Laboratory, University Medical Center Utrecht
Classification: Benign. Review status: no assertion criteria provided. Collection method: clinical testing. Allele origin: germline. Affected: yes. Study: VKGL Data-share Consensus. Not counted in ClinVar's aggregate classification.

Laboratory of Diagnostic Genome Analysis, Leiden University Medical Center (LUMC)
Classification: Benign. Review status: no assertion criteria provided. Collection method: clinical testing. Allele origin: germline. Affected: yes. Study: VKGL Data-share Consensus. Not counted in ClinVar's aggregate classification.

NM_001200.4(BMP2):c.109T>G (p.Ser37Ala)

Gene: BMP2 (bone morphogenetic protein 2; plus strand). Cytogenetic location: 20p12.3.
Variant type: single nucleotide variant.
Coding change: c.109T>G on transcript NM_001200.4 (MANE Select); coding-DNA position 109, T replaced by G.
Protein change: p.Ser37Ala; replaces serine 37 with alanine.
Molecular consequence: missense variant.
Genome position (GRCh38, 1-based): chr20:6,770,235, T>G. VCF-style: chr20-6770235-T-G. GRCh37 (hg19) VCF-style: chr20-6750882-T-G.
Other names: short protein forms S37A.
Identifiers: ClinVar variation 195137 (VCV000195137.35), dbSNP rs2273073, ClinGen allele CA201590.